The following is an entry in ClinVar:

ClinVar aggregate classification (germline): Benign. Review status: criteria provided, multiple submitters, no conflicts (2 of 4 stars). 2 submissions from 2 submitters: Benign (2). Last evaluated 2013-11-12.

Allele frequency attached by ClinVar (database versions not stated): gnomAD 0.00651 and 0.00687; ExAC 0.01089; TOPMed 0.01203; ESP Exome Variant Server 0.00092; 1000 Genomes Project 0.01617; 1000 Genomes Project 30x 0.01811.
gnomAD v4.1: 6,184 of 1,614,166 alleles (0.38%); highest among the groups gnomAD compares: Admixed American, 7.8%; 270 homozygotes.

Submissions (2):

GeneDx
Classification: Benign. Last evaluated: 2013-11-12. Review status: criteria provided, single submitter. Criteria: GeneDx Variant Classification (06012015). Collection method: clinical testing. Allele origin: germline. Affected: yes.
Comment: This variant is considered likely benign or benign based on one or more of the following criteria: it is a conservative change, it occurs at a poorly conserved position in the protein, it is predicted to be benign by multiple in silico algorithms, and/or has population frequency not consistent with disease.

Breakthrough Genomics
Classification: Benign. Review status: criteria provided, single submitter. Criteria: ACMG Guidelines, 2015. Collection method: not provided. Allele origin: germline. Inheritance: Unknown mechanism. Affected: yes.

NM_000692.5(ALDH1B1):c.526G>A (p.Val176Ile)

Gene: ALDH1B1 (aldehyde dehydrogenase 1 family member B1; plus strand). Cytogenetic location: 9p13.1.
Variant type: single nucleotide variant.
Coding change: c.526G>A on transcript NM_000692.5 (MANE Select); coding-DNA position 526, G replaced by A.
Protein change: p.Val176Ile; replaces valine 176 with isoleucine.
Molecular consequence: missense variant.
Genome position (GRCh38, 1-based): chr9:38,396,274, G>A. VCF-style: chr9-38396274-G-A. GRCh37 (hg19) VCF-style: chr9-38396271-G-A.
Other names: p.V176I:GTT>ATT; short protein forms V176I.
Identifiers: ClinVar variation 136363 (VCV000136363.2), dbSNP rs113083991, ClinGen allele CA289394.
Genomic context (GRCh38, chr9:38,396,274, plus strand): 5'-TGGCATGGCAAGACCATCCCCATGGATGGCCAGCATTTCTGCTTCACCCGGCATGAGCCC[G>A]TTGGTGTCTGTGGCCAGATCATCCCGTGGAACTTCCCCTTGGTCATGCAGGGTTGGAAAC-3'
Protein context (NP_000683.3, residues 166-186): QHFCFTRHEP[Val176Ile]GVCGQIIPWN